The following is an entry in ClinVar:

NM_000256.3(MYBPC3):c.823A>G (p.Ser275Gly)

Gene: MYBPC3 (myosin binding protein C3; minus strand). Cytogenetic location: 11p11.2.
Variant type: single nucleotide variant.
Coding change: c.823A>G on transcript NM_000256.3 (MANE Select); coding-DNA position 823, A replaced by G.
Protein change: p.Ser275Gly; replaces serine 275 with glycine.
Molecular consequence: missense variant.
Genome position (GRCh38, 1-based): chr11:47,347,679, T>C on the plus strand (A>G on the coding strand, the complement: MYBPC3 is on the minus strand). VCF-style: chr11-47347679-T-C. GRCh37 (hg19) VCF-style: chr11-47369230-T-C.
Other names: short protein forms S275G.
Identifiers: ClinVar variation 2771174 (VCV002771174.3), dbSNP rs1224529304, ClinGen allele CA380333660.

ClinVar aggregate classification (germline): Uncertain significance (1 of 4 stars; one submission).

Conditions:
Hypertrophic cardiomyopathy. Also called: HYPERTROPHIC MYOCARDIOPATHY. Identifiers: Orphanet 217569, MedGen C0007194, MeSH D002312, MONDO:0005045, HP:0001639.

Submission:

Labcorp Genetics (formerly Invitae), Labcorp
Classification: Uncertain significance for Hypertrophic cardiomyopathy. Last evaluated: 2023-10-23. Review status: criteria provided, single submitter. Criteria: Invitae Variant Classification Sherloc (09022015). Collection method: clinical testing. Allele origin: germline.
Comment: This sequence change replaces serine, which is neutral and polar, with glycine, which is neutral and non-polar, at codon 275 of the MYBPC3 protein (p.Ser275Gly). This variant is not present in population databases (gnomAD no frequency). This variant has not been reported in the literature in individuals affected with MYBPC3-related conditions. An algorithm developed to predict the effect of missense changes on protein structure and function (PolyPhen-2) suggests that this variant is likely to be tolerated. In summary, the available evidence is currently insufficient to determine the role of this variant in disease. Therefore, it has been classified as a Variant of Uncertain Significance.